The following is an entry in ClinVar:

ClinVar aggregate classification (germline): Pathogenic (1 of 4 stars; one submission).

Conditions:
Neurofibromatosis, type 1 (NF1). Also called: NEUROFIBROMATOSIS, TYPE I, SOMATIC; VON RECKLINGHAUSEN DISEASE; Peripheral type neurofibromatosis; Neurofibromatosis, type I. Identifiers: Orphanet 636, MedGen C0027831, MONDO:0018975, OMIM 162200. Disease mechanism: loss of function.

Submission:

Labcorp Genetics (formerly Invitae), Labcorp
Classification: Pathogenic for Neurofibromatosis, type 1. Last evaluated: 2024-10-22. Review status: criteria provided, single submitter. Criteria: Invitae Variant Classification Sherloc (09022015). Collection method: clinical testing. Allele origin: germline.
Comment: This sequence change creates a premature translational stop signal (p.Tyr1254Leufs*10) in the NF1 gene. It is expected to result in an absent or disrupted protein product. Loss-of-function variants in NF1 are known to be pathogenic (PMID: 10712197, 23913538). This variant is not present in population databases (gnomAD no frequency). This variant has not been reported in the literature in individuals affected with NF1-related conditions. ClinVar contains an entry for this variant (Variation ID: 1460306). For these reasons, this variant has been classified as Pathogenic.

Literature cited by the submitters: PubMed 10712197; PubMed 23913538.

NM_001042492.3(NF1):c.3760dup (p.Tyr1254fs)

Gene: NF1 (neurofibromin 1; plus strand). Cytogenetic location: 17q11.2.
Variant type: Duplication.
Coding change: c.3760dup on transcript NM_001042492.3 (MANE Select); coding-DNA position 3760, one base duplicated (T; older notation c.3760dupT).
Protein change: p.Tyr1254fs; shifts the reading frame from tyrosine 1254.
Molecular consequence: frameshift variant.
Genome position (GRCh38, 1-based): chr17:31,235,662, T duplicated. VCF-style (leftmost placement, unchanged base first): chr17-31235661-C-CT. GRCh37 (hg19) VCF-style: chr17-29562679-C-CT.
Other names: c.3760dup, p.Tyr1254Leufs (NM_000267.4); short protein forms Y1254fs.
Identifiers: ClinVar variation 1460306 (VCV001460306.6), dbSNP rs2151437833, ClinGen allele CA2573153378.